The following is an entry in ClinVar:

ClinVar aggregate classification (germline): Pathogenic/Likely pathogenic. Review status: criteria provided, multiple submitters, no conflicts (2 of 4 stars). 5 submissions from 5 submitters: Pathogenic (2); Likely pathogenic (1). 2 of the submissions do not count toward it. Last evaluated 2023-12-08.

Conditions:
Language delay and attention deficit-hyperactivity disorder/cognitive impairment with or without cardiac arrhythmia (LDMLS2). Also called: LODDER-MERLA SYNDROME, TYPE 2, WITH DEVELOPMENTAL DELAY AND WITH OR WITHOUT CARDIAC ARRHYTHMIA. Identifiers: MedGen C4310678, MONDO:0014957, OMIM 617182.
Lodder-Merla syndrome, type 1, with impaired intellectual development and cardiac arrhythmia. Also called: Gnb5-related intellectual disability-cardiac arrhythmia syndrome; Intellectual developmental disorder with cardiac arrhythmia. Identifiers: Orphanet 542306, MedGen C5568877, MONDO:0014953, OMIM 617173.

Allele frequency attached by ClinVar (database versions not stated): TOPMed below 0.00001.
gnomAD v4.1: 5 of 1,613,984 alleles (0.00031%); highest among the groups gnomAD compares: South Asian, 0.0055%; no homozygotes.

Submissions (5):

3billion
Classification: Pathogenic for Language delay and attention deficit-hyperactivity disorder/cognitive impairment with or without cardiac arrhythmia. Last evaluated: 2023-12-08. Review status: criteria provided, single submitter. Criteria: ACMG Guidelines, 2015. Collection method: clinical testing. Allele origin: germline. Affected: yes.
Comment: The variant is observed at an extremely low frequency in the gnomAD v2.1.1 dataset (total allele frequency: <0.001%). Predicted Consequence/Location: Stop-gained (nonsense): predicted to result in a loss or disruption of normal protein function through nonsense-mediated decay (NMD) or protein truncation. Multiple pathogenic variants are reported downstream of the variant. The variant has been reported at least twice as pathogenic without evidence for the classification (ClinVar ID: VCV000450608 /PMID: 31720979). Therefore, this variant is classified as Pathogenic according to the recommendation of ACMG/AMP guideline.

GeneDx
Classification: Pathogenic. Last evaluated: 2017-07-25. Review status: criteria provided, single submitter. Criteria: GeneDx Variant Classification (06012015). Collection method: clinical testing. Allele origin: germline. Affected: yes.
Comment: The c.1032 C>A nucleotide substitution, resulting in the Y344X variant in the GNB5 gene, has not been reported previously as a pathogenic variant nor as a benign variant, to our knowledge. The Y344X variant is predicted to cause loss of normal protein function either through protein truncation or nonsense-mediated mRNA decay. The Y344X variant due to the c.1032 C>A substitution is not observed in large population cohorts (Lek et al., 2016; 1000 Genomes Consortium et al., 2015; Exome Variant Server). We interpret Y344X as a pathogenic variant.

CENTOGENE GmbH and LLC - Guiding Precision Medicine
Classification: Likely pathogenic for Intellectual developmental disorder with cardiac arrhythmia. Review status: criteria provided, single submitter. Criteria: ACMG Guidelines, 2015. Collection method: clinical testing. Allele origin: germline. Affected: yes.

OMIM
Classification: Pathogenic for LODDER-MERLA SYNDROME, TYPE 1, WITH IMPAIRED INTELLECTUAL DEVELOPMENT AND CARDIAC ARRHYTHMIA. Last evaluated: 2023-08-17. Review status: no assertion criteria provided. Collection method: literature only. Allele origin: germline. Not counted in ClinVar's aggregate classification.

GeneReviews
No classification provided. Condition: Lodder-Merla syndrome, type 1, with impaired intellectual development and cardiac arrhythmia. Review status: no classification provided. Collection method: literature only. Allele origin: germline. Not counted in ClinVar's aggregate classification.
Comment: Recurrent variant reported in 2 families from Pakistan; de novo in 1 family

Literature cited by the submitters: PubMed 31720979 (cited by 3billion and OMIM); PubMed 31631344 (cited by OMIM and GeneReviews); PubMed 32203251 (cited by OMIM and GeneReviews); PubMed 32280589 (cited by GeneReviews); NCBI Bookshelf NBK573218 (cited by GeneReviews).

NM_016194.4(GNB5):c.1032C>A (p.Tyr344Ter)

Gene: GNB5 (G protein subunit beta 5; minus strand). Cytogenetic location: 15q21.2.
Variant type: single nucleotide variant.
Coding change: c.1032C>A on transcript NM_016194.4 (MANE Select); coding-DNA position 1032, C replaced by A.
Protein change: p.Tyr344Ter; replaces tyrosine 344 with a stop codon.
Molecular consequence: nonsense.
Genome position (GRCh38, 1-based): chr15:52,124,617, G>T on the plus strand (C>A on the coding strand, the complement: GNB5 is on the minus strand). VCF-style: chr15-52124617-G-T. GRCh37 (hg19) VCF-style: chr15-52416814-G-T.
Other names: GNB5, TYR302TER, 906C-A; c.750C>A, p.Tyr250Ter (NM_001379343.1); c.906C>A, p.Tyr302Ter (NM_006578.4); short protein forms Y344*, Y302*, Y250*.
Identifiers: ClinVar variation 450608 (VCV000450608.9), dbSNP rs749597091, ClinGen allele CA392487817.
Genomic context (GRCh38, chr15:52,124,617, plus strand): 5'-AAACAGGATGGAGACCCGGGACCCTTTGAGAACATCCCAGACGTTGATAGTGTAATCATT[G>T]TATCCAGCAAACAGCAGGCGACCTTGAAGCAGGGTGAGATGATAGCTGTTAAGCCAGTTC-3'